The following is an entry in ClinVar:

NM_000516.7(GNAS):c.153del (p.Gly52fs)

Gene: GNAS (GNAS complex locus; plus strand). Cytogenetic location: 20q13.32.
Variant type: Deletion.
Coding change: c.153del on transcript NM_000516.7 (MANE Select); coding-DNA position 153, one base deleted (T; older notation c.153delT).
Protein change: p.Gly52fs; shifts the reading frame from glycine 52.
Molecular consequence: frameshift variant. On other transcripts: 3 prime UTR variant (3), 5 prime UTR variant (2), non-coding transcript variant (2).
Genome position (GRCh38, 1-based): chr20:58,895,625, T deleted. VCF-style (leftmost placement, unchanged base first): chr20-58895624-CT-C. GRCh37 (hg19) VCF-style: chr20-57470679-CT-C.
Other names: c.153del, p.Gly52fs (NM_001077488.5, NM_001077489.4, NM_001309842.2 and 1 more transcripts); c.*14del (NM_001077490.3); c.-25del (NM_001309840.2, NM_001309861.2); c.*172del (NM_001309883.1); c.57del, p.Gly20fs (NM_001410912.1); c.2082del, p.Gly695fs (NM_001410913.1, NM_080425.4); c.*56del (NM_016592.5); short protein forms G20fs, G52fs, G695fs.
Identifiers: ClinVar variation 3376647 (VCV003376647.1).

ClinVar aggregate classification (germline): Pathogenic (1 of 4 stars; one submission).

Conditions:
Progressive osseous heteroplasia (POH). Also called: ECTOPIC OSSIFICATION, FAMILIAL; Progressive Osseus Heteroplasia (POH); Osseus Heteroplasia, Progressive; Osteoma cutis. Identifiers: Orphanet 2762, MedGen C0334041, MONDO:0008153, OMIM 166350, HP:0025027.

Submission:

Victorian Clinical Genetics Services, Murdoch Childrens Research Institute
Classification: Pathogenic for Progressive osseous heteroplasia. Last evaluated: 2022-06-24. Review status: criteria provided, single submitter. Criteria: ACMG Guidelines, 2015. Collection method: clinical testing. Allele origin: germline. Inheritance: Autosomal dominant inheritance. Affected: yes.
Comment: Based on the classification scheme VCGS_Germline_v1.3.4, this variant is classified as Pathogenic. Following criteria are met: 0103 - Loss of function and gain of function are known mechanisms of disease in this gene. A loss of function mechanism is associated with hypoparathyroidism phenotypes (MIM#103580, 603233, 612462, 612463) and progressive osseous heteroplasia (MIM#166350); whilst gain-of-function has been reported for cancer (PMID: 10980525, 11588148). (I) 0107 - This gene is associated with autosomal dominant disease. (I) 0113 - This gene is known to be imprinted and the imprinting can be transcript dependent (OMIM, PMID: 23884777). (I) 0115 - Variants in this gene are known to have variable expressivity (GeneReviews). 0201 - Variant is predicted to cause nonsense-mediated decay (NMD) and loss of protein (premature termination codon is located at least 54 nucleotides upstream of the final exon-exon junction). (SP) 0219 - This variant is non-coding in an alternative transcript. The variant is coding in most transcripts that encode the G-alpha domain which contains a cluster of pathogenic variants commonly associated with PhP-Ia, Ic, PPHP and POH/OC (UCSC, DECIPHER, PMID: 25851935). It is non-coding in NM_016592.5, which is maternally expressed; and NM_001309840.2 and NM_001077490.3, which are paternally expressed (NCBI, UCSC). (I) 0251 - This variant is heterozygous. (I) 0301 - Variant is absent from gnomAD (both v2 and v3). (SP) 0701 - Other NMD-predicted variants comparable to the one identified in this case have very strong previous evidence for pathogenicity (ClinVar, DECIPHER). (SP) 0807 - This variant has no previous evidence of pathogenicity. (I) 0905 - No published segregation evidence has been identified for this variant. (I) 1007 - No published functional evidence has been identified for this variant. (SP) Legend: (SP) - Supporting pathogenic, (I) - Information, (SB) - Supporting benign

Literature cited by the submitters: PubMed 10980525; PubMed 11588148; PubMed 23884777; PubMed 25851935.